The following is an entry in ClinVar:

ClinVar aggregate classification (germline): Likely benign (1 of 4 stars; one submission).

gnomAD v4.1: 21 of 398,832 alleles (0.0053%); highest among the groups gnomAD compares: South Asian, 0.11%; 1 homozygote.

Submission:

CeGaT Center for Human Genetics Tuebingen
Classification: Likely benign. Last evaluated: 2024-07-01. Review status: criteria provided, single submitter. Criteria: CeGaT Center For Human Genetics Tuebingen Variant Classification Criteria Version 2. Collection method: clinical testing. Allele origin: germline. Affected: yes. Observed: 1 variant allele.
Comment: PERCC1: BP4, BP7

NM_001365310.2(PERCC1):c.663G>A (p.Pro221=)

Gene: PERCC1 (proline and glutamate rich with coiled coil 1; plus strand). Cytogenetic location: 16p13.3.
Variant type: single nucleotide variant.
Coding change: c.663G>A on transcript NM_001365310.2 (MANE Select); coding-DNA position 663, G replaced by A.
Protein change: p.Pro221=; no amino-acid change (proline 221 retained).
Molecular consequence: synonymous variant.
Genome position (GRCh38, 1-based): chr16:1,433,256, G>A. VCF-style: chr16-1433256-G-A. GRCh37 (hg19) VCF-style: chr16-1483257-G-A.
Identifiers: ClinVar variation 3257121 (VCV003257121.17).